The following is an entry in ClinVar:

ClinVar aggregate classification (germline): Uncertain significance. Review status: criteria provided, multiple submitters, no conflicts (2 of 4 stars). 2 submissions from 2 submitters: Uncertain significance (2). Last evaluated 2025-06-10.

Conditions:
Fanconi anemia (FA). Also called: Fanconi's anemia. Identifiers: Orphanet 84, MedGen C0015625, MeSH D005199, MONDO:0019391.

Submissions (2):

GeneDx
Classification: Uncertain significance. Last evaluated: 2025-06-10. Review status: criteria provided, single submitter. Criteria: GeneDx Variant Classification Process June 2021. Collection method: clinical testing. Allele origin: germline. Affected: yes.
Comment: Not observed at significant frequency in large population cohorts (gnomAD); In silico analysis suggests that this missense variant does not alter protein structure/function; Has not been previously published as pathogenic or benign to our knowledge

Labcorp Genetics (formerly Invitae), Labcorp
Classification: Uncertain significance for Fanconi anemia. Last evaluated: 2025-04-08. Review status: criteria provided, single submitter. Criteria: Invitae Variant Classification Sherloc (09022015). Collection method: clinical testing. Allele origin: germline.
Comment: This sequence change replaces alanine, which is neutral and non-polar, with valine, which is neutral and non-polar, at codon 1279 of the FANCM protein (p.Ala1279Val). This variant is not present in population databases (gnomAD no frequency). This variant has not been reported in the literature in individuals affected with FANCM-related conditions. An algorithm developed to predict the effect of missense changes on protein structure and function (PolyPhen-2) suggests that this variant is likely to be tolerated. In summary, the available evidence is currently insufficient to determine the role of this variant in disease. Therefore, it has been classified as a Variant of Uncertain Significance.

NM_020937.4(FANCM):c.3836C>T (p.Ala1279Val)

Gene: FANCM (FA complementation group M; plus strand). Cytogenetic location: 14q21.2.
Variant type: single nucleotide variant.
Coding change: c.3836C>T on transcript NM_020937.4 (MANE Select); coding-DNA position 3836, C replaced by T.
Protein change: p.Ala1279Val; replaces alanine 1279 with valine.
Molecular consequence: missense variant.
Genome position (GRCh38, 1-based): chr14:45,176,590, C>T. VCF-style: chr14-45176590-C-T. GRCh37 (hg19) VCF-style: chr14-45645793-C-T.
Other names: c.3758C>T, p.Ala1253Val (NM_001308133.2); short protein forms A1253V, A1279V.
Identifiers: ClinVar variation 4537612 (VCV004537612.2).